The following is an entry in ClinVar:

NM_144997.7(FLCN):c.740A>T (p.Asp247Val)

Gene: FLCN (folliculin; minus strand). Cytogenetic location: 17p11.2.
Variant type: single nucleotide variant.
Coding change: c.740A>T on transcript NM_144997.7 (MANE Select); coding-DNA position 740, A replaced by T.
Protein change: p.Asp247Val; replaces aspartic acid 247 with valine.
Molecular consequence: missense variant.
Genome position (GRCh38, 1-based): chr17:17,222,540, T>A on the plus strand (A>T on the coding strand, the complement: FLCN is on the minus strand). VCF-style: chr17-17222540-T-A. GRCh37 (hg19) VCF-style: chr17-17125854-T-A.
Other names: c.794A>T, p.Asp265Val (NM_001353229.2); c.740A>T, p.Asp247Val (NM_001353230.2, NM_001353231.2, NM_144606.7); short protein forms D247V, D265V.
Identifiers: ClinVar variation 5021842 (VCV005021842.1).

ClinVar aggregate classification (germline): Uncertain significance (1 of 4 stars; one submission).

Conditions:
Hereditary cancer-predisposing syndrome. Also called: Neoplastic Syndromes, Hereditary; Tumor predisposition; Hereditary neoplastic syndrome; Hereditary Cancer Syndrome. Identifiers: Orphanet 140162, MedGen C0027672, MeSH D009386, MONDO:0015356.

Submission:

Ambry Genetics
Classification: Uncertain significance for Hereditary cancer-predisposing syndrome. Last evaluated: 2026-07-07. Review status: criteria provided, single submitter. Criteria: Ambry Variant Classification Scheme 2023. Collection method: clinical testing. Allele origin: germline.
Comment: The p.D247V variant (also known as c.740A>T), located in coding exon 4 of the FLCN gene, results from an A to T substitution at nucleotide position 740. The aspartic acid at codon 247 is replaced by valine, an amino acid with highly dissimilar properties. This amino acid position is conserved. In addition, this alteration is predicted to be deleterious by in silico analysis. Based on the available evidence, the clinical significance of this variant remains unclear.